The following is an entry in ClinVar:

ClinVar aggregate classification (germline): Conflicting classifications of pathogenicity. Review status: criteria provided, conflicting classifications (1 of 4 stars). 5 submissions from 5 submitters: Likely pathogenic (4); Uncertain significance (1). Last evaluated 2026-01-15.

Conditions:
Muscular dystrophy, limb-girdle, autosomal dominant 4. Also called: Calpain-3-related limb-girdle muscular dystrophy D4; MUSCULAR DYSTROPHY, LIMB-GIRDLE, TYPE 1I. Identifiers: Orphanet 565909, MedGen C4748295, MONDO:0029133, OMIM 618129.
Autosomal recessive limb-girdle muscular dystrophy type 2A (LGMDR1). Also called: Limb-girdle muscular dystrophy, type 2A; Calpainopathy; Muscular dystrophy, limb-girdle, type 2A, Amish; LEYDEN-MOEBIUS MUSCULAR DYSTROPHY; MUSCULAR DYSTROPHY, PELVOFEMORAL. Identifiers: Orphanet 267, MedGen C1869123, MONDO:0009675, OMIM 253600. Disease mechanism: loss of function.

Allele frequency attached by ClinVar (database versions not stated): gnomAD 0.00001; TOPMed below 0.00001.

Submissions (5):

3billion
Classification: Likely pathogenic for Autosomal recessive limb-girdle muscular dystrophy type 2A. Last evaluated: 2026-01-15. Review status: criteria provided, single submitter. Criteria: ACMG Guidelines, 2015. Collection method: clinical testing. Allele origin: germline. Affected: yes.
Comment: The variant is observed at an extremely low frequency in the gnomAD v4.1.0 dataset (total allele frequency: <0.001%). Predicted Consequence/Location: Intron variant In silico tools predict the variant to alter splicing and produce an abnormal transcript [SpliceAI: 0.48 (>=0.2, moderate evidence for spliceogenicity)]. The variant has been reported to be in trans with a pathogenic variant as either compound heterozygous or homozygous in at least one similarly affected unrelated individual (PMID: 31498126). The variant has been reported at least twice as pathogenic with clinical assertions and evidence for the classification (ClinVar ID: VCV000813892 /PMID: 31498126 /3billion dataset). Therefore, this variant is classified as Likely pathogenic according to the recommendation of ACMG/AMP guideline.

Genomic Medicine Center of Excellence, King Faisal Specialist Hospital and Research Centre
Classification: Likely pathogenic for Autosomal recessive limb-girdle muscular dystrophy type 2A. Last evaluated: 2025-09-10. Review status: criteria provided, single submitter. Criteria: ACMG Guidelines, 2015. Collection method: clinical testing. Allele origin: germline.

Baylor Genetics
Classification: Likely pathogenic for Muscular dystrophy, limb-girdle, autosomal dominant 4. Last evaluated: 2024-02-10. Review status: criteria provided, single submitter. Criteria: ACMG Guidelines, 2015. Collection method: clinical testing. Allele origin: unknown.

Broad Center for Mendelian Genomics, Broad Institute of MIT and Harvard
Classification: Likely pathogenic for Autosomal recessive limb-girdle muscular dystrophy type 2A. Last evaluated: 2023-02-08. Review status: criteria provided, single submitter. Criteria: ACMG Guidelines, 2015. Collection method: research. Allele origin: germline. Inheritance: Autosomal recessive inheritance. Affected: yes.
Comment: The homozygous c.946-29del variant in CAPN3 was identified by our study in three affected siblings with autosomal recessive limb-girdle muscular dystrophy type 2A (PMID: 31498126). This variant was absent from large population studies. RT-PCR and cDNA analysis from patient muscle tissue showed that this variant resulted in altered splicing of exon 7, with splicing occurring upstream of the normal site, resulting in inclusion of a 389bp exon extension in intron 6, leading to a premature stop codon in the resultant mRNA transcript. In addition, Western blot of muscle tissue from the patient showed complete absence of calpain 3 protein, supporting nonsense-mediated decay had occurred (PMID: 31498126). This variant is located in the 3’ splice region. Computational tools do suggest an impact to splicing. However, this information is not predictive enough to determine pathogenicity. The phenotype of this individual was highly specific for autosomal recessive limb-girdle muscular dystrophy type 2A based on the absence of calpain-3 on immunoblot analysis of muscle tissue (PMID: 31498126) consistent with disease (PMID: 20301490). In summary, although additional studies are required to fully establish its clinical significance, this variant is likely pathogenic for autosomal recessive limb-girdle muscular dystrophy type 2A. ACMG/AMP Criteria applied: PS3_Moderate, PM2_Supporting, PM3_Supporting, PP1, PP4 (Richards 2015).

Revvity Omics, Revvity
Classification: Uncertain significance. Last evaluated: 2021-09-27. Review status: criteria provided, single submitter. Criteria: ACMG Guidelines, 2015. Collection method: clinical testing. Allele origin: germline.

Literature cited by the submitters: PubMed 31498126 (cited by 3billion).

NM_000070.3(CAPN3):c.946-29del

Gene: CAPN3 (calpain 3; plus strand). Cytogenetic location: 15q15.1.
Variant type: Deletion.
Coding change: c.946-29del on transcript NM_000070.3 (MANE Select); 29 bases into the intron before coding-DNA position 946, one base deleted (T; older notation c.946-29delT).
Molecular consequence: intron variant.
Genome position (GRCh38, 1-based): chr15:42,392,610, T deleted. VCF-style (leftmost placement, unchanged base first): chr15-42392609-CT-C. GRCh37 (hg19) VCF-style: chr15-42684807-CT-C.
Other names: c.946-29del (NM_024344.2); c.802-29del (NM_173087.2).
Identifiers: ClinVar variation 813892 (VCV000813892.14), dbSNP rs1595826640, ClinGen allele CA658820775.